The following is an entry in ClinVar:

NM_001401501.2(MUC16):c.7636A>G (p.Thr2546Ala)

Genes: MUC16 (mucin 16, cell surface associated; minus strand), LOC129391057 (MPRA-validated peak3341 silencer; plus strand). Cytogenetic location: 19p13.2.
Variant type: single nucleotide variant.
Coding change: c.7636A>G on transcript NM_001401501.2 (MANE Select); coding-DNA position 7636, A replaced by G.
Protein change: p.Thr2546Ala; replaces threonine 2546 with alanine.
Molecular consequence: missense variant.
Genome position (GRCh38, 1-based): chr19:8,973,623, T>C on the plus strand (A>G on the coding strand, the complement: MUC16 is on the minus strand). VCF-style: chr19-8973623-T-C. GRCh37 (hg19) VCF-style: chr19-9084299-T-C.
Other names: c.8062A>G, p.Thr2688Ala (NM_001414686.1); c.7516A>G, p.Thr2506Ala (NM_001414687.1, NM_024690.2); short protein forms T2506A, T2546A, T2688A.
Identifiers: ClinVar variation 3058965 (VCV003058965.2), dbSNP rs1609458, ClinGen allele CA9172168.

ClinVar aggregate classification (germline): Benign (0 of 4 stars; one submission).

Conditions:
MUC16-related disorder. Also called: MUC16-related condition.

Allele frequency attached by ClinVar (database versions not stated): 1000 Genomes Project 0.41673; 1000 Genomes Project 30x 0.41911; ESP Exome Variant Server 0.45297; TOPMed 0.45529; gnomAD 0.45851; ExAC 0.48802; gnomAD exomes 0.49767.

Submission:

PreventionGenetics, part of Exact Sciences
Classification: Benign for MUC16-related condition. Last evaluated: 2019-10-17. Review status: no assertion criteria provided. Collection method: clinical testing. Allele origin: germline.
Comment: This variant is classified as benign based on ACMG/AMP sequence variant interpretation guidelines (Richards et al. 2015 PMID: 25741868, with internal and published modifications).